The following is an entry in ClinVar:

ClinVar aggregate classification (germline): Uncertain significance (1 of 4 stars; one submission).

Submission:

Labcorp Genetics (formerly Invitae), Labcorp
Classification: Uncertain significance. Last evaluated: 2026-01-07. Review status: criteria provided, single submitter. Criteria: Invitae Variant Classification Sherloc (09022015). Collection method: clinical testing. Allele origin: germline.
Comment: This sequence change replaces tyrosine, which is neutral and polar, with phenylalanine, which is neutral and non-polar, at codon 444 of the WFS1 protein (p.Tyr444Phe). This variant is not present in population databases (gnomAD no frequency). This variant has not been reported in the literature in individuals affected with WFS1-related conditions. Invitae Evidence Modeling of protein sequence and biophysical properties (such as structural, functional, and spatial information, amino acid conservation, physicochemical variation, residue mobility, and thermodynamic stability) indicates that this missense variant is not expected to disrupt WFS1 protein function with a negative predictive value of 95%. In summary, the available evidence is currently insufficient to determine the role of this variant in disease. Therefore, it has been classified as a Variant of Uncertain Significance.

NM_006005.3(WFS1):c.1331A>T (p.Tyr444Phe)

Gene: WFS1 (wolframin ER transmembrane glycoprotein; plus strand). Cytogenetic location: 4p16.1.
Variant type: single nucleotide variant.
Coding change: c.1331A>T on transcript NM_006005.3 (MANE Select); coding-DNA position 1331, A replaced by T.
Protein change: p.Tyr444Phe; replaces tyrosine 444 with phenylalanine.
Molecular consequence: missense variant.
Genome position (GRCh38, 1-based): chr4:6,301,126, A>T. VCF-style: chr4-6301126-A-T. GRCh37 (hg19) VCF-style: chr4-6302853-A-T.
Other names: c.1331A>T, p.Tyr444Phe (NM_001145853.1); short protein forms Y444F.
Identifiers: ClinVar variation 4739454 (VCV004739454.1).